The following is an entry in ClinVar:

NM_201384.3(PLEC):c.9961G>A (p.Gly3321Arg)

Gene: PLEC (plectin; minus strand). Cytogenetic location: 8q24.3.
Variant type: single nucleotide variant.
Coding change: c.9961G>A on transcript NM_201384.3 (MANE Select); coding-DNA position 9961, G replaced by A.
Protein change: p.Gly3321Arg; replaces glycine 3321 with arginine.
Molecular consequence: missense variant.
Genome position (GRCh38, 1-based): chr8:143,919,860, C>T on the plus strand (G>A on the coding strand, the complement: PLEC is on the minus strand). VCF-style: chr8-143919860-C-T. GRCh37 (hg19) VCF-style: chr8-144994028-C-T.
Other names: p.Gly3307Arg; c.10042G>A, p.Gly3348Arg (NM_000445.5); c.9919G>A, p.Gly3307Arg (NM_201378.4); c.9895G>A, p.Gly3299Arg (NM_201379.3); c.10372G>A, p.Gly3458Arg (NM_201380.4); c.9865G>A, p.Gly3289Arg (NM_201381.3); c.9961G>A, p.Gly3321Arg (NM_201382.4); c.9973G>A, p.Gly3325Arg (NM_201383.3); short protein forms G3289R, G3299R, G3307R, G3321R, G3325R, G3348R, G3458R.
Identifiers: ClinVar variation 129918 (VCV000129918.63), dbSNP rs34132016, ClinGen allele CA154299.

ClinVar aggregate classification (germline): Benign/Likely benign. Review status: criteria provided, multiple submitters, no conflicts (2 of 4 stars). 12 submissions from 12 submitters: Benign (6); Likely benign (3). 3 of the submissions do not count toward it. Last evaluated 2026-09-01.

Conditions:
PLEC-related disorder. Also called: PLEC-related disorders; PLEC-related condition.
Epidermolysis bullosa simplex, Ogna type (EBS5A). Also called: Pidermolysis bullosa simplex 5A, Ogna type; EPIDERMOLYSIS BULLOSA SIMPLEX 5A, OGNA TYPE. Identifiers: Orphanet 79401, MedGen C0432317, MONDO:0007555, OMIM 131950.
Epidermolysis bullosa simplex 5B, with muscular dystrophy (EBS5B). Also called: Epidermolysis bullosa simplex with muscular dystrophy; EPIDERMOLYSIS BULLOSA SIMPLEX AND LIMB-GIRDLE MUSCULAR DYSTROPHY. Identifiers: Orphanet 257, MedGen C2931072, MONDO:0009181, OMIM 226670.
Autosomal recessive limb-girdle muscular dystrophy type 2Q (LGMDR17). Also called: MUSCULAR DYSTROPHY, LIMB-GIRDLE, AUTOSOMAL RECESSIVE 17. Identifiers: Orphanet 254361, MedGen C3150989, MONDO:0013390, OMIM 613723.
Epidermolysis bullosa simplex 5C, with pyloric atresia (EBS5C). Also called: PLEC-Related Epidermolysis Bullosa with Pyloric Atresia; Epidermolysis bullosa simplex with pyloric atresia; PLEC1-Related Epidermolysis Bullosa with Pyloric Atresia. Identifiers: Orphanet 158684, MedGen C2677349, MONDO:0012807, OMIM 612138.
Epidermolysis bullosa simplex with nail dystrophy (EBS5D). Identifiers: MedGen C4225309, MONDO:0014661, OMIM 616487.

Allele frequency attached by ClinVar (database versions not stated): gnomAD 0.00549 and 0.00569; ESP Exome Variant Server 0.00559; ExAC 0.00577; TOPMed 0.00604; 1000 Genomes Project 0.00339; 1000 Genomes Project 30x 0.00375.
gnomAD v4.1: 11,288 of 1,613,144 alleles (0.7%); highest among the groups gnomAD compares: Non-Finnish European, 0.85%; 45 homozygotes.

Submissions (17):

CeGaT Center for Human Genetics Tuebingen
Classification: Likely benign. Last evaluated: 2026-09-01. Review status: criteria provided, single submitter. Criteria: CeGaT Center For Human Genetics Tuebingen Variant Classification Criteria Version 2. Collection method: clinical testing. Allele origin: germline. Affected: yes. Observed: 28 variant alleles.
Comment: PLEC: BP4, BS2

Labcorp Genetics (formerly Invitae), Labcorp
Classification: Benign for Autosomal recessive limb-girdle muscular dystrophy type 2Q; Epidermolysis bullosa simplex, Ogna type; Epidermolysis bullosa simplex with nail dystrophy; Epidermolysis bullosa simplex 5C, with pyloric atresia; Epidermolysis bullosa simplex 5B, with muscular dystrophy. Last evaluated: 2026-02-01. Review status: criteria provided, single submitter. Criteria: Invitae Variant Classification Sherloc (09022015). Collection method: clinical testing. Allele origin: germline.

Blueprint Genetics
Classification: Likely benign. Last evaluated: 2024-11-27. Review status: criteria provided, single submitter. Criteria: ACMG Guidelines, 2015. Collection method: clinical testing. Allele origin: germline.

Mayo Clinic Laboratories, Mayo Clinic
Classification: Benign. Last evaluated: 2018-12-28. Review status: criteria provided, single submitter. Criteria: ACMG Guidelines, 2015. Collection method: clinical testing. Allele origin: germline. Observed: 21 variant alleles.

Athena Diagnostics
Classification: Benign. Last evaluated: 2017-11-01. Review status: criteria provided, single submitter. Criteria: Athena Diagnostics Criteria. Collection method: clinical testing. Allele origin: germline.

Genetic Services Laboratory, University of Chicago
Classification: Benign. Last evaluated: 2017-03-17. Review status: criteria provided, single submitter. Criteria: ACMG Guidelines, 2015. Collection method: clinical testing. Allele origin: germline. Affected: no.

Center for Pediatric Genomic Medicine, Children's Mercy Hospital and Clinics
Classification: Likely benign. Last evaluated: 2016-05-17. Review status: criteria provided, single submitter. Criteria: ACMG Guidelines, 2015. Collection method: clinical testing. Allele origin: germline.
ClinVar note: Converted during submission from Likely Benign to Likely benign.

GeneDx
Classification: Benign. Last evaluated: 2016-03-31. Review status: criteria provided, single submitter. Criteria: GeneDx Variant Classification (06012015). Collection method: clinical testing. Allele origin: germline. Affected: yes.
Comment: This variant is considered likely benign or benign based on one or more of the following criteria: it is a conservative change, it occurs at a poorly conserved position in the protein, it is predicted to be benign by multiple in silico algorithms, and/or has population frequency not consistent with disease.

Eurofins Ntd Llc (ga)
Classification: Benign. Last evaluated: 2015-07-23. Review status: criteria provided, single submitter. Criteria: EGL Classification Definitions 2015. Collection method: clinical testing. Allele origin: germline. Observed: 3 variant alleles, 2 heterozygotes.

PreventionGenetics, part of Exact Sciences
Classification: Benign for PLEC-related condition. Last evaluated: 2019-05-29. Review status: no assertion criteria provided. Collection method: clinical testing. Allele origin: germline. Not counted in ClinVar's aggregate classification.
Comment: This variant is classified as benign based on ACMG/AMP sequence variant interpretation guidelines (Richards et al. 2015 PMID: 25741868, with internal and published modifications).

Dr. Peter K. Rogan Lab, Western University
No classification provided (evidence only). Condition: Thyroid cancer, nonmedullary, 1. Review status: no classification provided. Collection method: in vitro. Allele origin: not applicable. Functional consequence: retained intron. Not counted in ClinVar's aggregate classification.

Dr. Peter K. Rogan Lab, Western University
No classification provided (evidence only). Condition: Cervical cancer. Review status: no classification provided. Collection method: in vitro. Allele origin: not applicable. Functional consequence: retained intron. Not counted in ClinVar's aggregate classification.

Dr. Peter K. Rogan Lab, Western University
No classification provided (evidence only). Condition: Cervical cancer. Review status: no classification provided. Collection method: in vitro. Allele origin: not applicable. Functional consequence: retained intron. Not counted in ClinVar's aggregate classification.

Dr. Peter K. Rogan Lab, Western University
No classification provided (evidence only). Condition: Hepatocellular carcinoma. Review status: no classification provided. Collection method: in vitro. Allele origin: not applicable. Functional consequence: retained intron. Not counted in ClinVar's aggregate classification.

Dr. Peter K. Rogan Lab, Western University
No classification provided (evidence only). Condition: Thymoma. Review status: no classification provided. Collection method: in vitro. Allele origin: not applicable. Functional consequence: retained intron. Not counted in ClinVar's aggregate classification.

Genome Diagnostics Laboratory, University Medical Center Utrecht
Classification: Likely benign. Review status: no assertion criteria provided. Collection method: clinical testing. Allele origin: germline. Affected: yes. Study: VKGL Data-share Consensus. Not counted in ClinVar's aggregate classification.

Laboratory of Diagnostic Genome Analysis, Leiden University Medical Center (LUMC)
Classification: Likely benign. Review status: no assertion criteria provided. Collection method: clinical testing. Allele origin: germline. Affected: yes. Study: VKGL Data-share Consensus. Not counted in ClinVar's aggregate classification.